The following is an entry in ClinVar:

ClinVar aggregate classification (germline): Uncertain significance. Review status: criteria provided, multiple submitters, no conflicts (2 of 4 stars). 2 submissions from 2 submitters: Uncertain significance (2). Last evaluated 2024-10-24.

Conditions:
Anterior segment dysgenesis 3 (ASGD3). Also called: Glaucoma iridogoniodysplasia, familial; IRIDOGONIODYSGENESIS ANOMALY, AUTOSOMAL DOMINANT. Identifiers: Orphanet 91483, MedGen C5975707, MONDO:0024456, OMIM 601631.
Axenfeld-Rieger syndrome type 3 (RIEG3). Also called: AXENFELD-RIEGER ANOMALY WITH CARDIAC DEFECTS AND/OR SENSORINEURAL HEARING LOSS. Identifiers: Orphanet 782, MedGen C2678503, MONDO:0011233, OMIM 602482.

Allele frequency attached by ClinVar (database versions not stated): gnomAD exomes below 0.00001; gnomAD 0.00001; TOPMed 0.00001; 1000 Genomes Project 30x 0.00016.

Submissions (2):

Labcorp Genetics (formerly Invitae), Labcorp
Classification: Uncertain significance for Axenfeld-Rieger syndrome type 3. Last evaluated: 2024-10-24. Review status: criteria provided, single submitter. Criteria: Invitae Variant Classification Sherloc (09022015). Collection method: clinical testing. Allele origin: germline.
Comment: This sequence change replaces proline, which is neutral and non-polar, with serine, which is neutral and polar, at codon 347 of the FOXC1 protein (p.Pro347Ser). This variant is not present in population databases (gnomAD no frequency). This variant has not been reported in the literature in individuals affected with FOXC1-related conditions. ClinVar contains an entry for this variant (Variation ID: 1954252). An algorithm developed to predict the effect of missense changes on protein structure and function outputs the following: PolyPhen-2: "Benign". The serine amino acid residue is found in multiple mammalian species, which suggests that this missense change does not adversely affect protein function. In summary, the available evidence is currently insufficient to determine the role of this variant in disease. Therefore, it has been classified as a Variant of Uncertain Significance.

Neuberg Centre For Genomic Medicine, NCGM
Classification: Uncertain significance for Anterior segment dysgenesis 3. Last evaluated: 2023-05-20. Review status: criteria provided, single submitter. Criteria: ACMG Guidelines, 2015. Collection method: clinical testing. Allele origin: germline. Inheritance: Autosomal dominant inheritance. Affected: yes.
Comment: The observed missense c.1039C>T(p.Pro347Ser) variant in FOXC1 gene has not been reported previously as a pathogenic variant nor a benign variant, to our knowledge. The p.Pro347Ser variant is absent in gnomAD Exomes. This variant has been submitted to the ClinVar database as Uncertain Significance. Multiple lines of computational evidence (Polyphen - Benign, SIFT - Tolerated and MutationTaster - Polymorphism) predict no damaging effect on protein structure and function for this variant. The amino acid change p.Pro347Ser in FOXC1 is predicted as conserved by GERP++ and PhyloP across 100 vertebrates. The amino acid Pro at position 347 is changed to a Ser changing protein sequence and it might alter its composition and physico-chemical properties. For these reasons, this variant has been classified as a Variant of Uncertain Significance (VUS).

NM_001453.3(FOXC1):c.1039C>T (p.Pro347Ser)

Gene: FOXC1 (forkhead box C1; plus strand). Cytogenetic location: 6p25.3.
Variant type: single nucleotide variant.
Coding change: c.1039C>T on transcript NM_001453.3 (MANE Select); coding-DNA position 1039, C replaced by T.
Protein change: p.Pro347Ser; replaces proline 347 with serine.
Molecular consequence: missense variant.
Genome position (GRCh38, 1-based): chr6:1,611,484, C>T. VCF-style: chr6-1611484-C-T. GRCh37 (hg19) VCF-style: chr6-1611719-C-T.
Other names: short protein forms P347S.
Identifiers: ClinVar variation 1954252 (VCV001954252.6), dbSNP rs1217776043, ClinGen allele CA362560090.